The following is an entry in ClinVar:

ClinVar aggregate classification (germline): Uncertain significance (1 of 4 stars; one submission).

Conditions:
Mitochondrial hypertrophic cardiomyopathy with lactic acidosis due to MTO1 deficiency. Also called: Combined oxidative phosphorylation deficiency 10; CARDIOMYOPATHY, INFANTILE HYPERTROPHIC MITOCHONDRIAL, AND LACTIC ACIDOSIS. Identifiers: Orphanet 314637, MedGen C4749921, MONDO:0013865, OMIM 614702.

Allele frequency attached by ClinVar (database versions not stated): TOPMed below 0.00001; ExAC 0.00001.
gnomAD v4.1: 1 of 1,613,534 alleles (0.000062%); highest among the groups gnomAD compares: Non-Finnish European, 0.000085%; no homozygotes.

Submission:

Labcorp Genetics (formerly Invitae), Labcorp
Classification: Uncertain significance for Mitochondrial hypertrophic cardiomyopathy with lactic acidosis due to MTO1 deficiency. Last evaluated: 2022-06-08. Review status: criteria provided, single submitter. Criteria: Invitae Variant Classification Sherloc (09022015). Collection method: clinical testing. Allele origin: germline.
Comment: In summary, the available evidence is currently insufficient to determine the role of this variant in disease. Therefore, it has been classified as a Variant of Uncertain Significance. Algorithms developed to predict the effect of sequence changes on RNA splicing suggest that this variant may create or strengthen a splice site. Algorithms developed to predict the effect of missense changes on protein structure and function are either unavailable or do not agree on the potential impact of this missense change (SIFT: "Deleterious"; PolyPhen-2: "Probably Damaging"; Align-GVGD: "Class C0"). This variant has not been reported in the literature in individuals affected with MTO1-related conditions. This variant is present in population databases (rs775265615, gnomAD 0.0009%). This sequence change replaces asparagine, which is neutral and polar, with tyrosine, which is neutral and polar, at codon 327 of the MTO1 protein (p.Asn327Tyr).

NM_012123.4(MTO1):c.979A>T (p.Asn327Tyr)

Gene: MTO1 (mitochondrial tRNA translation optimization 1; plus strand). Cytogenetic location: 6q13.
Variant type: single nucleotide variant.
Coding change: c.979A>T on transcript NM_012123.4 (MANE Select); coding-DNA position 979, A replaced by T.
Protein change: p.Asn327Tyr; replaces asparagine 327 with tyrosine.
Molecular consequence: missense variant.
Genome position (GRCh38, 1-based): chr6:73,479,976, A>T. VCF-style: chr6-73479976-A-T. GRCh37 (hg19) VCF-style: chr6-74189699-A-T.
Other names: c.979A>T, p.Asn327Tyr (NM_001123226.2, NM_133645.3); short protein forms N327Y.
Identifiers: ClinVar variation 2140790 (VCV002140790.3), dbSNP rs775265615, ClinGen allele CA3889492.